The following is an entry in ClinVar:

ClinVar aggregate classification (germline): Uncertain significance (1 of 4 stars; one submission).

Conditions:
Megalencephaly-polymicrogyria-polydactyly-hydrocephalus syndrome 1 (MPPH1). Also called: MEGALENCEPHALY, MEGA CORPUS CALLOSUM, AND COMPLETE LACK OF MOTOR DEVELOPMENT; MEGALENCEPHALY, POLYMICROGYRIA, MEGA CORPUS CALLOSUM SYNDROME. Identifiers: Orphanet 83473, MedGen C4012727, MONDO:0011313, OMIM 603387.

Submission:

MGZ Medical Genetics Center
Classification: Uncertain significance for Megalencephaly-polymicrogyria-polydactyly-hydrocephalus syndrome 1. Last evaluated: 2022-06-21. Review status: criteria provided, single submitter. Criteria: ACMG Guidelines, 2015. Collection method: clinical testing. Allele origin: germline. Affected: yes. Observed: 1 variant allele.
Comment: ACMG criteria applied: PM2_SUP, PP3

NM_005027.4(PIK3R2):c.496G>C (p.Asp166His)

Gene: PIK3R2 (phosphoinositide-3-kinase regulatory subunit 2; plus strand). Cytogenetic location: 19p13.11.
Variant type: single nucleotide variant.
Coding change: c.496G>C on transcript NM_005027.4 (MANE Select); coding-DNA position 496, G replaced by C.
Protein change: p.Asp166His; replaces aspartic acid 166 with histidine.
Molecular consequence: missense variant. On other transcripts: non-coding transcript variant (2).
Genome position (GRCh38, 1-based): chr19:18,161,083, G>C. VCF-style: chr19-18161083-G-C. GRCh37 (hg19) VCF-style: chr19-18271893-G-C.
Other names: short protein forms D166H.
Identifiers: ClinVar variation 1709855 (VCV001709855.2), dbSNP rs1232567785, ClinGen allele CA404804926.